The following is an entry in ClinVar:

ClinVar aggregate classification (germline): Benign/Likely benign. Review status: criteria provided, multiple submitters, no conflicts (2 of 4 stars). 3 submissions from 3 submitters: Benign (1); Likely benign (1). 1 of the submissions does not count toward it. Last evaluated 2026-02-01.

Conditions:
DTHD1-related disorder. Also called: DTHD1-related condition.

Allele frequency attached by ClinVar (database versions not stated): gnomAD exomes 0.00015 and 0.00031; ExAC 0.00054; ESP Exome Variant Server 0.00088; TOPMed 0.00157; gnomAD 0.00158 and 0.00170; 1000 Genomes Project 0.00220; 1000 Genomes Project 30x 0.00234.

Submissions (3):

Labcorp Genetics (formerly Invitae), Labcorp
Classification: Benign. Last evaluated: 2026-02-01. Review status: criteria provided, single submitter. Criteria: Invitae Variant Classification Sherloc (09022015). Collection method: clinical testing. Allele origin: germline.

Blueprint Genetics
Classification: Likely benign. Last evaluated: 2024-07-04. Review status: criteria provided, single submitter. Criteria: ACMG Guidelines, 2015. Collection method: clinical testing. Allele origin: germline.

PreventionGenetics, part of Exact Sciences
Classification: Likely benign for DTHD1-related condition. Last evaluated: 2019-12-16. Review status: no assertion criteria provided. Collection method: clinical testing. Allele origin: germline. Not counted in ClinVar's aggregate classification.
Comment: This variant is classified as likely benign based on ACMG/AMP sequence variant interpretation guidelines (Richards et al. 2015 PMID: 25741868, with internal and published modifications).

NM_001170700.3(DTHD1):c.1112G>A (p.Arg371His)

Gene: DTHD1 (death domain containing 1; plus strand). Cytogenetic location: 4p14.
Variant type: single nucleotide variant.
Coding change: c.1112G>A on transcript NM_001170700.3 (MANE Select); coding-DNA position 1112, G replaced by A.
Protein change: p.Arg371His; replaces arginine 371 with histidine.
Molecular consequence: missense variant. On other transcripts: non-coding transcript variant (2).
Genome position (GRCh38, 1-based): chr4:36,290,597, G>A. VCF-style: chr4-36290597-G-A. GRCh37 (hg19) VCF-style: chr4-36292219-G-A.
Other names: c.242G>A (NM_001136536.4); c.242G>A, p.Arg81His (NM_001136536.5, NM_001378435.1); short protein forms R371H, R81H.
Identifiers: ClinVar variation 1167513 (VCV001167513.12), dbSNP rs139675396, ClinGen allele CA2885610.